The following is an entry in ClinVar:

ClinVar aggregate classification (germline): Uncertain significance. Review status: criteria provided, multiple submitters, no conflicts (2 of 4 stars). 2 submissions from 2 submitters: Uncertain significance (2). Last evaluated 2025-04-01.

Conditions:
Inborn genetic diseases. Identifiers: MedGen C0950123, MeSH D030342.

Allele frequency attached by ClinVar (database versions not stated): gnomAD 0.00006 and 0.00007; TOPMed 0.00011; ESP Exome Variant Server 0.00015.
gnomAD v4.1: 72 of 1,609,044 alleles (0.0045%); highest among the groups gnomAD compares: African/African-American, 0.029%; no homozygotes.

Submissions (2):

Ambry Genetics
Classification: Uncertain significance for Inborn genetic diseases. Last evaluated: 2025-04-01. Review status: criteria provided, single submitter. Criteria: Ambry Variant Classification Scheme 2023. Collection method: clinical testing. Allele origin: germline.

Labcorp Genetics (formerly Invitae), Labcorp
Classification: Uncertain significance. Last evaluated: 2023-12-19. Review status: criteria provided, single submitter. Criteria: Invitae Variant Classification Sherloc (09022015). Collection method: clinical testing. Allele origin: germline.
Comment: This sequence change replaces alanine, which is neutral and non-polar, with threonine, which is neutral and polar, at codon 101 of the MEOX1 protein (p.Ala101Thr). This variant is present in population databases (rs145190245, gnomAD 0.01%). This variant has not been reported in the literature in individuals affected with MEOX1-related conditions. ClinVar contains an entry for this variant (Variation ID: 1351806). Algorithms developed to predict the effect of missense changes on protein structure and function output the following: SIFT: "Not Available"; PolyPhen-2: "Benign"; Align-GVGD: "Not Available". The threonine amino acid residue is found in multiple mammalian species, which suggests that this missense change does not adversely affect protein function. In summary, the available evidence is currently insufficient to determine the role of this variant in disease. Therefore, it has been classified as a Variant of Uncertain Significance.

NM_004527.4(MEOX1):c.301G>A (p.Ala101Thr)

Gene: MEOX1 (mesenchyme homeobox 1; minus strand). Cytogenetic location: 17q21.31.
Variant type: single nucleotide variant.
Coding change: c.301G>A on transcript NM_004527.4 (MANE Select); coding-DNA position 301, G replaced by A.
Protein change: p.Ala101Thr; replaces alanine 101 with threonine.
Molecular consequence: missense variant. On other transcripts: 5 prime UTR variant (1).
Genome position (GRCh38, 1-based): chr17:43,661,234, C>T on the plus strand (G>A on the coding strand, the complement: MEOX1 is on the minus strand). VCF-style: chr17-43661234-C-T. GRCh37 (hg19) VCF-style: chr17-41738602-C-T.
Other names: c.-45G>A (NM_001040002.2); c.301G>A, p.Ala101Thr (NM_013999.4); c.301G>A (NM_004527.3); short protein forms A101T.
Identifiers: ClinVar variation 1351806 (VCV001351806.6), dbSNP rs145190245, ClinGen allele CA8592663.